The following is an entry in ClinVar:

NM_000719.7(CACNA1C):c.372-23A>G

Gene: CACNA1C (calcium voltage-gated channel subunit alpha1 C; plus strand). Cytogenetic location: 12p13.33.
Variant type: single nucleotide variant.
Coding change: c.372-23A>G on transcript NM_000719.7 (MANE Select); 23 bases into the intron before coding-DNA position 372, A replaced by G.
Molecular consequence: intron variant.
Genome position (GRCh38, 1-based): chr12:2,120,302, A>G. VCF-style: chr12-2120302-A-G. GRCh37 (hg19) VCF-style: chr12-2229468-A-G.
Other names: c.372-23A>G (NM_001167624.3, NM_001167623.2, NM_001167625.2 and 19 more transcripts).
Identifiers: ClinVar variation 695204 (VCV000695204.6), dbSNP rs200282707, ClinGen allele CA6388440.

ClinVar aggregate classification (germline): Benign/Likely benign. Review status: criteria provided, multiple submitters, no conflicts (2 of 4 stars). 2 submissions from 2 submitters: Benign (1); Likely benign (1). Last evaluated 2026-06-01.

Conditions:
Long QT syndrome (LQTS). Identifiers: MedGen C0023976, MeSH D008133, MONDO:0002442. Disease mechanism: loss of function. Inheritance: Various modes of inheritance.

Allele frequency attached by ClinVar (database versions not stated): 1000 Genomes Project 30x 0.00016; 1000 Genomes Project 0.00020; ExAC 0.00046; gnomAD exomes 0.00047; gnomAD 0.00051 and 0.00052; TOPMed 0.00060; ESP Exome Variant Server 0.00065.
gnomAD v4.1: 804 of 1,118,090 alleles (0.072%); highest among the groups gnomAD compares: Non-Finnish European, 0.1%; 2 homozygotes.

Submissions (2):

CeGaT Center for Human Genetics Tuebingen
Classification: Likely benign. Last evaluated: 2026-06-01. Review status: criteria provided, single submitter. Criteria: CeGaT Center For Human Genetics Tuebingen Variant Classification Criteria Version 2. Collection method: clinical testing. Allele origin: germline. Affected: yes. Observed: 2 variant alleles.
Comment: CACNA1C: BS1

Labcorp Genetics (formerly Invitae), Labcorp
Classification: Benign for Long QT syndrome. Last evaluated: 2019-12-31. Review status: criteria provided, single submitter. Criteria: Invitae Variant Classification Sherloc (09022015). Collection method: clinical testing. Allele origin: germline.